The following is an entry in ClinVar:

ClinVar aggregate classification (germline): Likely benign. Review status: criteria provided, single submitter (1 of 4 stars). 2 submissions from 2 submitters: Likely benign (1). 1 of the submissions does not count toward it. Last evaluated 2024-04-16.

Conditions:
PCNT-related disorder. Also called: PCNT-related condition.

Allele frequency attached by ClinVar (database versions not stated): gnomAD 0.00001; gnomAD exomes 0.00001; ExAC 0.00002; TOPMed 0.00002.
gnomAD v4.1: 18 of 1,613,786 alleles (0.0011%); highest among the groups gnomAD compares: East Asian, 0.0022%; no homozygotes.

Submissions (2):

Labcorp Genetics (formerly Invitae), Labcorp
Classification: Likely benign. Last evaluated: 2024-04-16. Review status: criteria provided, single submitter. Criteria: Invitae Variant Classification Sherloc (09022015). Collection method: clinical testing. Allele origin: germline.

PreventionGenetics, part of Exact Sciences
Classification: Likely benign for PCNT-related condition. Last evaluated: 2024-05-01. Review status: no assertion criteria provided. Collection method: clinical testing. Allele origin: germline. Not counted in ClinVar's aggregate classification.
Comment: This variant is classified as likely benign based on ACMG/AMP sequence variant interpretation guidelines (Richards et al. 2015 PMID: 25741868, with internal and published modifications).

NM_006031.6(PCNT):c.7341C>T (p.Pro2447=)

Gene: PCNT (pericentrin; plus strand). Cytogenetic location: 21q22.3.
Variant type: single nucleotide variant.
Coding change: c.7341C>T on transcript NM_006031.6 (MANE Select); coding-DNA position 7341, C replaced by T.
Protein change: p.Pro2447=; no amino-acid change (proline 2447 retained).
Molecular consequence: synonymous variant.
Genome position (GRCh38, 1-based): chr21:46,427,642, C>T. VCF-style: chr21-46427642-C-T. GRCh37 (hg19) VCF-style: chr21-47847556-C-T.
Other names: c.7341C>T (NM_006031.5); c.6987C>T, p.Pro2329= (NM_001315529.2).
Identifiers: ClinVar variation 2955144 (VCV002955144.4), dbSNP rs779095232, ClinGen allele CA10080635.